The following is an entry in ClinVar:

ClinVar aggregate classification (germline): Uncertain significance (1 of 4 stars; one submission).

Conditions:
Long QT syndrome (LQTS). Identifiers: MedGen C0023976, MeSH D008133, MONDO:0002442. Disease mechanism: loss of function. Inheritance: Various modes of inheritance.

Submission:

All of Us Research Program, National Institutes of Health
Classification: Uncertain significance for Long QT syndrome. Last evaluated: 2023-09-04. Review status: criteria provided, single submitter. Criteria: ACMG Guidelines, 2015. Collection method: clinical testing. Allele origin: germline. Inheritance: Autosomal dominant inheritance. Observed: 1 variant allele, 1 heterozygote.
Comment: This missense variant replaces valine with leucine at codon 3 of the KCNH2 protein. Computational prediction is inconclusive regarding the impact of this variant on protein structure and function (internally defined REVEL score threshold 0.5 < inconclusive < 0.7, PMID: 27666373). To our knowledge, functional studies have not been reported for this variant. This variant has not been reported in individuals affected with KCNH2-related disorders in the literature. This variant has not been identified in the general population by the Genome Aggregation Database (gnomAD). The available evidence is insufficient to determine the role of this variant in disease conclusively. Therefore, this variant is classified as a Variant of Uncertain Significance.

This study involves interpretation of variants in research participants for the purpose of population health screening. Participant phenotype was not available at the time of variant classification. Additional details can be found in publication PMID: 35346344, PMCID: PMC8962531

NM_000238.4(KCNH2):c.7G>C (p.Val3Leu)

Gene: KCNH2 (potassium voltage-gated channel subfamily H member 2; minus strand). Cytogenetic location: 7q36.1.
Variant type: single nucleotide variant.
Coding change: c.7G>C on transcript NM_000238.4 (MANE Select); coding-DNA position 7, G replaced by C.
Protein change: p.Val3Leu; replaces valine 3 with leucine.
Molecular consequence: missense variant. On other transcripts: non-coding transcript variant (1).
Genome position (GRCh38, 1-based): chr7:150,977,907, C>G on the plus strand (G>C on the coding strand, the complement: KCNH2 is on the minus strand). VCF-style: chr7-150977907-C-G. GRCh37 (hg19) VCF-style: chr7-150674995-C-G.
Other names: c.7G>C, p.Val3Leu (NM_172056.3); short protein forms V3L.
Identifiers: ClinVar variation 3073319 (VCV003073319.1), dbSNP rs2486167529, ClinGen allele CA369866783.